The following is an entry in ClinVar:

ClinVar aggregate classification (germline): Pathogenic. Review status: reviewed by expert panel (3 of 4 stars). 2 submissions from 2 submitters: Pathogenic (1). 1 of the submissions does not count toward it. Last evaluated 2016-10-18.

Conditions:
Breast-ovarian cancer, familial, susceptibility to, 2 (BROVCA2). Also called: BRCA2 Hereditary Breast and Ovarian Cancer. Identifiers: Orphanet 145, MedGen C2675520, MONDO:0012933, OMIM 612555. Disease mechanism: loss of function.

Submissions (2):

Evidence-based Network for the Interpretation of Germline Mutant Alleles (ENIGMA)
Classification: Pathogenic for Breast-ovarian cancer, familial, susceptibility to, 2. Last evaluated: 2016-10-18. Review status: reviewed by expert panel. Criteria: ENIGMA BRCA1/2 Classification Criteria (2015). Collection method: curation. Allele origin: germline.
Comment: Variant allele predicted to encode a truncated non-functional protein.

Consortium of Investigators of Modifiers of BRCA1/2 (CIMBA), c/o University of Cambridge
Classification: Pathogenic for Breast-ovarian cancer, familial, susceptibility to, 2. Last evaluated: 2015-10-02. Review status: criteria provided, single submitter. Criteria: CIMBA Mutation Classification guidelines May 2016. Collection method: clinical testing. Allele origin: germline. Not counted in ClinVar's aggregate classification.

NM_000059.4(BRCA2):c.1249del (p.Ser417fs)

Gene: BRCA2 (BRCA2 DNA repair associated; plus strand). Cytogenetic location: 13q13.1.
Variant type: Deletion.
Coding change: c.1249del on transcript NM_000059.4 (MANE Select); coding-DNA position 1249, one base deleted (T; older notation c.1249delT).
Protein change: p.Ser417fs; shifts the reading frame from serine 417.
Molecular consequence: frameshift variant.
Genome position (GRCh38, 1-based): chr13:32,332,727, T deleted; the last of 3 consecutive T bases (chr13:32,332,725-32,332,727); deleting any one gives the same sequence. VCF-style (leftmost placement, unchanged base first): chr13-32332724-AT-A. GRCh37 (hg19) VCF-style: chr13-32906861-AT-A.
Other names: 1477delT; short protein forms S417fs.
Identifiers: ClinVar variation 266619 (VCV000266619.5), dbSNP rs886040352, ClinGen allele CA10589080.
Genomic context (GRCh38, chr13:32,332,724, plus strand): 5'-TCTCAACTAACCCTTTCAGGTCTAAATGGAGCCCAGATGGAGAAAATACCCCTATTGCAT[AT>A]TTCTTCATGTGACCAAAATATTTCAGAAAAAGACCTATTAGACACAGAGAACAAAAGAAA-3'